The following is an entry in ClinVar:

ClinVar aggregate classification (germline): Conflicting classifications of pathogenicity. Review status: criteria provided, conflicting classifications (1 of 4 stars). 2 submissions from 2 submitters: Uncertain significance (1); Likely benign (1). Last evaluated 2024-04-21.

Conditions:
Early-infantile DEE. Also called: Early infantile epileptic encephalopathy with suppression bursts; Early infantile epileptic encephalopathy; Ohtahara syndrome. Identifiers: Orphanet 1934, MedGen C0393706, MONDO:0800491.

Allele frequency attached by ClinVar (database versions not stated): gnomAD exomes below 0.00001 and 0.00001; ExAC 0.00001; gnomAD 0.00002; TOPMed 0.00003; ESP Exome Variant Server 0.00008.
gnomAD v4.1: 6 of 1,612,168 alleles (0.00037%); highest among the groups gnomAD compares: African/African-American, 0.0067%; no homozygotes.

Submissions (2):

Labcorp Genetics (formerly Invitae), Labcorp
Classification: Likely benign for Early-infantile DEE. Last evaluated: 2024-04-21. Review status: criteria provided, single submitter. Criteria: Invitae Variant Classification Sherloc (09022015). Collection method: clinical testing. Allele origin: germline.

GeneDx
Classification: Uncertain significance. Last evaluated: 2021-03-22. Review status: criteria provided, single submitter. Criteria: GeneDx Variant Classification Process June 2021. Collection method: clinical testing. Allele origin: germline. Affected: yes.
Comment: In silico analysis, which includes splice predictors and evolutionary conservation, suggests this variant may impact gene splicing. In the absence of RNA/functional studies, the actual effect of this sequence change is unknown.; Has not been previously published as pathogenic or benign to our knowledge

NM_001165963.4(SCN1A):c.3597C>T (p.Gly1199=)

Genes: SCN1A (sodium voltage-gated channel alpha subunit 1; minus strand), LOC102724058 (uncharacterized LOC102724058; plus strand). Cytogenetic location: 2q24.3.
Variant type: single nucleotide variant.
Coding change: c.3597C>T on transcript NM_001165963.4 (MANE Select); coding-DNA position 3597, C replaced by T.
Protein change: p.Gly1199=; no amino-acid change (glycine 1199 retained).
Molecular consequence: synonymous variant. On other transcripts: non-coding transcript variant (1).
Genome position (GRCh38, 1-based): chr2:166,013,852, G>A on the plus strand (C>T on the coding strand, the complement: SCN1A is on the minus strand). VCF-style: chr2-166013852-G-A. GRCh37 (hg19) VCF-style: chr2-166870362-G-A.
Other names: c.3513C>T, p.Gly1171= (NM_001165964.3, NM_001353957.2, NM_001353958.2); c.3597C>T, p.Gly1199= (NM_001202435.3, NM_001353948.2); c.3564C>T, p.Gly1188= (NM_001353949.2, NM_001353950.2, NM_001353951.2 and 2 more transcripts); c.3561C>T, p.Gly1187= (NM_001353954.2, NM_001353955.2); c.3510C>T, p.Gly1170= (NM_001353960.2); c.1155C>T, p.Gly385= (NM_001353961.2).
Identifiers: ClinVar variation 577474 (VCV000577474.13), dbSNP rs376901032, ClinGen allele CA1942912.
Genomic context (GRCh38, chr2:166,013,852, plus strand): 5'-CCAGTTATGTTCAACTATTCGGAAACACGTCCTTCTCAGGTTCCACCATTGTTTTCCTCT[G>A]CCTTCTTCCACATTGATTTGACAACACTTGAATCTTTGTACACAGCCTGCAGAAAGTGTT-3'
Protein context (NP_001159435.1, residues 1189-1209): FKCCQINVEE[Gly1199=]RGKQWWNLRR